The following is an entry in ClinVar:

NM_001114753.3(ENG):c.1510G>A (p.Val504Met)

Genes: ENG (endoglin; minus strand), LOC102723566 (uncharacterized LOC102723566; plus strand). Cytogenetic location: 9q34.11.
Variant type: single nucleotide variant.
Coding change: c.1510G>A on transcript NM_001114753.3 (MANE Select); coding-DNA position 1510, G replaced by A.
Protein change: p.Val504Met; replaces valine 504 with methionine.
Molecular consequence: missense variant.
Genome position (GRCh38, 1-based): chr9:127,818,296, C>T on the plus strand (G>A on the coding strand, the complement: ENG is on the minus strand). VCF-style: chr9-127818296-C-T. GRCh37 (hg19) VCF-style: chr9-130580575-C-T.
Other names: NM_001114753.3(ENG):c.1510G>A; c.1510G>A, p.Val504Met (NM_000118.4); c.964G>A, p.Val322Met (NM_001278138.2); short protein forms V504M, V322M.
Identifiers: ClinVar variation 161231 (VCV000161231.60), dbSNP rs116330805, ClinGen allele CA211420.

ClinVar aggregate classification (germline): Likely benign. Review status: reviewed by expert panel (3 of 4 stars). 11 submissions from 11 submitters: Likely benign (1). 10 of the submissions do not count toward it. Last evaluated 2024-03-15.

Conditions:
Hereditary hemorrhagic telangiectasia (HHT). Also called: ORW DISEASE; Osler Weber Rendu syndrome; OSLER-RENDU-WEBER DISEASE; Osler hemorrhagic telangiectasia syndrome. Identifiers: Orphanet 774, MedGen C0039445, MONDO:0019180. Disease mechanism: loss of function.
Cardiovascular phenotype. Identifiers: MedGen CN230736.
Haemorrhagic telangiectasia 1.
Telangiectasia, hereditary hemorrhagic, type 1 (HHT1). Also called: Osler Weber Rendu syndrome type 1; ENG-Related Hereditary Hemorrhagic Telangiectasia. Identifiers: Orphanet 774, MedGen C4551861, MONDO:0008535, OMIM 187300. Disease mechanism: loss of function.

Allele frequency attached by ClinVar (database versions not stated): gnomAD exomes 0.00119; ExAC 0.00131; gnomAD 0.00293 and 0.00311; TOPMed 0.00322; ESP Exome Variant Server 0.00369; 1000 Genomes Project 0.00559; 1000 Genomes Project 30x 0.00671.
gnomAD v4.1: 1,488 of 1,614,110 alleles (0.092%); highest among the groups gnomAD compares: African/African-American, 0.85%; 6 homozygotes.

Submissions (11):

ClinGen Hereditary Hemorrhagic Telangiectasia Variant Curation Expert Panel, ClinGen
Classification: Likely benign for Telangiectasia, hereditary hemorrhagic, type 1. Last evaluated: 2024-03-15. Review status: reviewed by expert panel. Criteria: ClinGen HHT ACMG Specifications ENG V1.1.0. Collection method: curation. Allele origin: germline. Inheritance: Autosomal dominant inheritance.
Comment: The NM_001114753.3: c.1510G>A variant in ENG is a missense variant predicted to cause substitution of valine by methionine at amino acid 504 (p.Val504Met). The filtering allele frequency (the lower threshold of the 95% CI of 225/24916) of the c.1510G>A variant in ENG is 0.007757 for African/African American chromosomes by gnomAD v2.1.1, which is higher than the ClinGen Hereditary Hemorrhagic Telangiectasia Variant Curation Expert Panel threshold (>0.002) for BS1, and therefore meets this criterion (BS1). This variant has been observed in trans with the variant c.23T>C, p.Leu8Pro (PMID: 19767588), which is classified as pathogenic by the ClinGen Hereditary Hemorrhagic Telangiectasia Variant Curation Expert Panel, in affected family members with HHT. The phase of the variants was confirmed by parental testing (BP2). The computational predictor REVEL gives a score of 0.239, which is neither above nor below the thresholds predicting a damaging or benign impact on ENG function. However, cellular assays in NIH-3T3 cells showed that BMP9 binding and BMP9 response were all normal, indicating that this variant does not impact protein function (BS3_Supporting; PMID: 25312062). In summary, this variant meets the criteria to be classified as likely benign for autosomal dominant hereditary hemorrhagic telangiectasia based on the ACMG/AMP criteria applied, as specified by the ClinGen Hereditary Hemorrhagic Telangiectasia Variant Curation Expert Panel: BS1, BP2, BS3_Supporting (specification version 1.0.0; 1/4/2024).

CeGaT Center for Human Genetics Tuebingen
Classification: Likely benign. Last evaluated: 2026-08-01. Review status: criteria provided, single submitter. Criteria: CeGaT Center For Human Genetics Tuebingen Variant Classification Criteria Version 2. Collection method: clinical testing. Allele origin: germline. Affected: yes. Observed: 16 variant alleles. Not counted in ClinVar's aggregate classification.
Comment: ENG: BP4, BS1

Labcorp Genetics (formerly Invitae), Labcorp
Classification: Benign for Hereditary hemorrhagic telangiectasia. Last evaluated: 2026-02-04. Review status: criteria provided, single submitter. Criteria: Invitae Variant Classification Sherloc (09022015). Collection method: clinical testing. Allele origin: germline. Not counted in ClinVar's aggregate classification.

Blueprint Genetics
Classification: Likely benign. Last evaluated: 2024-11-05. Review status: criteria provided, single submitter. Criteria: ACMG Guidelines, 2015. Collection method: clinical testing. Allele origin: germline. Not counted in ClinVar's aggregate classification.

ARUP Laboratories, Molecular Genetics and Genomics, ARUP Laboratories
Classification: Benign for Telangiectasia, hereditary hemorrhagic, type 1. Last evaluated: 2023-10-09. Review status: criteria provided, single submitter. Criteria: ARUP Molecular Germline Variant Investigation Process 2024. Collection method: clinical testing. Allele origin: germline. Not counted in ClinVar's aggregate classification.

Mayo Clinic Laboratories, Mayo Clinic
Classification: Benign. Last evaluated: 2023-08-28. Review status: criteria provided, single submitter. Criteria: ACMG Guidelines, 2015. Collection method: clinical testing. Allele origin: germline. Observed: 6 variant alleles. Not counted in ClinVar's aggregate classification.
Comment: BS1, BS3, BS4, BP2, BP4

GeneDx
Classification: Benign. Last evaluated: 2018-12-11. Review status: criteria provided, single submitter. Criteria: GeneDx Variant Classification Process June 2021. Collection method: clinical testing. Allele origin: germline. Affected: yes. Not counted in ClinVar's aggregate classification.
Comment: This variant is associated with the following publications: (PMID: 25312062, 15024723, 22022569, 20981092, 19767588, 25637381, 22995991, 24055113)

Eurofins Ntd Llc (ga)
Classification: Benign. Last evaluated: 2016-07-21. Review status: criteria provided, single submitter. Criteria: EGL Classification Definitions 2015. Collection method: clinical testing. Allele origin: germline. Observed: 2 variant alleles, 2 heterozygotes. Not counted in ClinVar's aggregate classification.

Ambry Genetics
Classification: Benign for Cardiovascular phenotype. Last evaluated: 2016-06-16. Review status: criteria provided, single submitter. Criteria: Ambry Variant Classification Scheme 2023. Collection method: clinical testing. Allele origin: germline. Not counted in ClinVar's aggregate classification.

PreventionGenetics, part of Exact Sciences
Classification: Likely benign. Review status: criteria provided, single submitter. Criteria: ACMG Guidelines, 2015. Collection method: clinical testing. Allele origin: germline. Not counted in ClinVar's aggregate classification.

CSER _CC_NCGL, University of Washington
Classification: Uncertain significance for Haemorrhagic telangiectasia 1. Last evaluated: 2014-06-01. Review status: no assertion criteria provided. Collection method: research. Allele origin: germline. Inheritance: Autosomal dominant inheritance. Study: ESP 6500 variant annotation. Not counted in ClinVar's aggregate classification.
Comment: Variants classified for the Actionable exomic incidental findings in 6503 participants: challenges of variant classification manuscript

Literature cited by the submitters: PubMed 15024723 (cited by Mayo Clinic Laboratories, Mayo Clinic); PubMed 19767588 (cited by Mayo Clinic Laboratories, Mayo Clinic); PubMed 22022569 (cited by Mayo Clinic Laboratories, Mayo Clinic); PubMed 25312062 (cited by Mayo Clinic Laboratories, Mayo Clinic).